The following is an entry in ClinVar:

ClinVar aggregate classification (germline): Uncertain significance (1 of 4 stars; one submission).

Submission:

GeneDx
Classification: Uncertain significance. Last evaluated: 2023-02-08. Review status: criteria provided, single submitter. Criteria: GeneDx Variant Classification Process June 2021. Collection method: clinical testing. Allele origin: germline. Affected: yes.
Comment: Has not been previously published as pathogenic or benign to our knowledge; Not observed at significant frequency in large population cohorts (gnomAD); In silico analysis supports that this missense variant does not alter protein structure/function

NM_002471.4(MYH6):c.4942C>T (p.Leu1648Phe)

Genes: MYH6 (myosin heavy chain 6; minus strand), LOC126861896 (BRD4-independent group 4 enhancer GRCh37_chr14:23854904-23856103; plus strand). Cytogenetic location: 14q11.2.
Variant type: single nucleotide variant.
Coding change: c.4942C>T on transcript NM_002471.4 (MANE Select); coding-DNA position 4942, C replaced by T.
Protein change: p.Leu1648Phe; replaces leucine 1648 with phenylalanine.
Molecular consequence: missense variant.
Genome position (GRCh38, 1-based): chr14:23,386,332, G>A on the plus strand (C>T on the coding strand, the complement: MYH6 is on the minus strand). VCF-style: chr14-23386332-G-A. GRCh37 (hg19) VCF-style: chr14-23855541-G-A.
Other names: short protein forms L1648F.
Identifiers: ClinVar variation 2575613 (VCV002575613.1), dbSNP rs2502143068, ClinGen allele CA388990945.